The following is an entry in ClinVar:

ClinVar aggregate classification (germline): Uncertain significance (1 of 4 stars; one submission).

Submission:

Labcorp Genetics (formerly Invitae), Labcorp
Classification: Uncertain significance. Last evaluated: 2022-04-01. Review status: criteria provided, single submitter. Criteria: Invitae Variant Classification Sherloc (09022015). Collection method: clinical testing. Allele origin: germline.
Comment: In summary, the available evidence is currently insufficient to determine the role of this variant in disease. Therefore, it has been classified as a Variant of Uncertain Significance. Algorithms developed to predict the effect of missense changes on protein structure and function are either unavailable or do not agree on the potential impact of this missense change (SIFT: "Deleterious"; PolyPhen-2: "Probably Damaging"; Align-GVGD: "Class C0"). ClinVar contains an entry for this variant (Variation ID: 1043086). This variant has not been reported in the literature in individuals affected with RDH5-related conditions. This variant is not present in population databases (gnomAD no frequency). This sequence change replaces leucine, which is neutral and non-polar, with isoleucine, which is neutral and non-polar, at codon 76 of the RDH5 protein (p.Leu76Ile).

NM_002905.5(RDH5):c.226C>A (p.Leu76Ile)

Genes: BLOC1S1-RDH5 (BLOC1S1-RDH5 readthrough; plus strand), RDH5 (retinol dehydrogenase 5; plus strand). Cytogenetic location: 12q13.2.
Variant type: single nucleotide variant.
Coding change: c.226C>A on transcript NM_002905.5 (MANE Select); coding-DNA position 226, C replaced by A.
Protein change: p.Leu76Ile; replaces leucine 76 with isoleucine.
Molecular consequence: missense variant.
Genome position (GRCh38, 1-based): chr12:55,721,410, C>A. VCF-style: chr12-55721410-C-A. GRCh37 (hg19) VCF-style: chr12-56115194-C-A.
Other names: c.226C>A, p.Leu76Ile (NM_001199771.3); short protein forms L76I.
Identifiers: ClinVar variation 1043086 (VCV001043086.10), dbSNP rs1876911555, ClinGen allele CA385200022.
Genomic context (GRCh38, chr12:55,721,410, plus strand): 5'-CTGGCCAGCTGCCTGACCCCCTCCGGGGCCGAGGACCTGCAGCGGGTGGCCTCCTCCCGC[C>A]TCCACACCACCCTGTTGGATATCACTGATCCCCAGAGCGTCCAGCAGGCAGCCAAGTGGG-3'
Protein context (NP_002896.2, residues 66-86): EDLQRVASSR[Leu76Ile]HTTLLDITDP